The following is an entry in ClinVar:

ClinVar aggregate classification (germline): Uncertain significance (1 of 4 stars; one submission).

Conditions:
Nance-Horan syndrome (NHS). Identifiers: Orphanet 627, MedGen C0796085, MONDO:0010545, OMIM 302350.

Allele frequency attached by ClinVar (database versions not stated): gnomAD exomes below 0.00001; TOPMed below 0.00001; gnomAD 0.00001.
gnomAD v4.1: 3 of 1,209,905 alleles (0.00025%); highest among the groups gnomAD compares: East Asian, 0.003%; no homozygotes.

Submission:

Labcorp Genetics (formerly Invitae), Labcorp
Classification: Uncertain significance for Nance-Horan syndrome. Last evaluated: 2023-07-16. Review status: criteria provided, single submitter. Criteria: Invitae Variant Classification Sherloc (09022015). Collection method: clinical testing. Allele origin: germline.
Comment: Advanced modeling of protein sequence and biophysical properties (such as structural, functional, and spatial information, amino acid conservation, physicochemical variation, residue mobility, and thermodynamic stability) performed at Invitae indicates that this missense variant is expected to disrupt NHS protein function. In summary, the available evidence is currently insufficient to determine the role of this variant in disease. Therefore, it has been classified as a Variant of Uncertain Significance. This variant has not been reported in the literature in individuals affected with NHS-related conditions. This variant is not present in population databases (gnomAD no frequency). This sequence change replaces proline, which is neutral and non-polar, with leucine, which is neutral and non-polar, at codon 828 of the NHS protein (p.Pro828Leu).

NM_001291867.2(NHS):c.2546C>T (p.Pro849Leu)

Gene: NHS (NHS actin remodeling regulator; plus strand). Cytogenetic location: Xp22.13.
Variant type: single nucleotide variant.
Coding change: c.2546C>T on transcript NM_001291867.2 (MANE Select); coding-DNA position 2546, C replaced by T.
Protein change: p.Pro849Leu; replaces proline 849 with leucine.
Molecular consequence: missense variant.
Genome position (GRCh38, 1-based): chrX:17,726,652, C>T. VCF-style: chrX-17726652-C-T. GRCh37 (hg19) VCF-style: chrX-17744772-C-T.
Other names: c.2015C>T, p.Pro672Leu (NM_001136024.4); c.1952C>T, p.Pro651Leu (NM_001291868.2); c.2483C>T, p.Pro828Leu (NM_198270.4); short protein forms P651L, P672L, P828L, P849L.
Identifiers: ClinVar variation 2784582 (VCV002784582.3), dbSNP rs1005975272, ClinGen allele CA326967410.